The following is an entry in ClinVar:

NM_000090.4(COL3A1):c.2062T>A (p.Leu688Met)

Gene: COL3A1 (collagen type III alpha 1 chain; plus strand). Cytogenetic location: 2q32.2.
Variant type: single nucleotide variant.
Coding change: c.2062T>A on transcript NM_000090.4 (MANE Select); coding-DNA position 2062, T replaced by A.
Protein change: p.Leu688Met; replaces leucine 688 with methionine.
Molecular consequence: missense variant.
Genome position (GRCh38, 1-based): chr2:188,999,324, T>A. VCF-style: chr2-188999324-T-A. GRCh37 (hg19) VCF-style: chr2-189864050-T-A.
Other names: short protein forms L688M.
Identifiers: ClinVar variation 3074075 (VCV003074075.2), dbSNP rs2469143358, ClinGen allele CA349840015.

ClinVar aggregate classification (germline): Uncertain significance. Review status: criteria provided, multiple submitters, no conflicts (2 of 4 stars). 3 submissions from 3 submitters: Uncertain significance (3). Last evaluated 2025-10-03.

Conditions:
Familial thoracic aortic aneurysm and aortic dissection (TAAD). Also called: Thoracic aortic aneurysms and dissections. Identifiers: Orphanet 91387, MedGen C4707243, MONDO:0019625.
Ehlers-Danlos syndrome, type 4 (EDSVASC). Also called: Ehlers-Danlos Syndrome Type IV; Ehlers-Danlos syndrome vascular type; Ehlers Danlos syndrome, ecchymotic type; Ehlers Danlos syndrome, arterial type; Ehlers Danlos syndrome, Sack-Barabas type. Identifiers: Orphanet 286, MedGen C0268338, MONDO:0017314, OMIM 130050.

Allele frequency attached by ClinVar (database versions not stated): gnomAD exomes below 0.00001.
gnomAD v4.1: 1 of 1,591,072 alleles (0.000063%); highest among the groups gnomAD compares: Non-Finnish European, 0.000086%; no homozygotes.

Submissions (3):

Color Diagnostics, LLC DBA Color Health
Classification: Uncertain significance for Familial thoracic aortic aneurysm and aortic dissection. Last evaluated: 2025-10-03. Review status: criteria provided, single submitter. Criteria: ACMG Guidelines, 2015. Collection method: clinical testing. Allele origin: germline.
Comment: This missense variant replaces leucine with methionine at codon 688 of the COL3A1 protein. Computational prediction suggests that this variant may not impact protein structure and function. To our knowledge, functional studies have not been reported for this variant. This variant has not been reported in individuals affected with COL3A1-related disorders in the literature. This variant has been identified in 1/1438818 chromosomes in the general population by the Genome Aggregation Database (gnomAD). The available evidence is insufficient to determine the role of this variant in disease conclusively. Therefore, this variant is classified as a Variant of Uncertain Significance.

Labcorp Genetics (formerly Invitae), Labcorp
Classification: Uncertain significance for Ehlers-Danlos syndrome, type 4. Last evaluated: 2025-05-18. Review status: criteria provided, single submitter. Criteria: Invitae Variant Classification Sherloc (09022015). Collection method: clinical testing. Allele origin: germline.
Comment: This sequence change replaces leucine, which is neutral and non-polar, with methionine, which is neutral and non-polar, at codon 688 of the COL3A1 protein (p.Leu688Met). This variant is not present in population databases (gnomAD no frequency). This variant has not been reported in the literature in individuals affected with COL3A1-related conditions. ClinVar contains an entry for this variant (Variation ID: 3074075). Invitae Evidence Modeling of protein sequence and biophysical properties (such as structural, functional, and spatial information, amino acid conservation, physicochemical variation, residue mobility, and thermodynamic stability) indicates that this missense variant is not expected to disrupt COL3A1 protein function with a negative predictive value of 95%. In summary, the available evidence is currently insufficient to determine the role of this variant in disease. Therefore, it has been classified as a Variant of Uncertain Significance.

All of Us Research Program, National Institutes of Health
Classification: Uncertain significance for Ehlers-Danlos syndrome, type 4. Last evaluated: 2023-12-01. Review status: criteria provided, single submitter. Criteria: ACMG Guidelines, 2015. Collection method: clinical testing. Allele origin: germline. Inheritance: Autosomal dominant inheritance. Observed: 1 variant allele, 1 heterozygote.
Comment: This study involves interpretation of variants in research participants for the purpose of population health screening. Participant phenotype was not available at the time of variant classification. Additional details can be found in publication PMID: 35346344, PMCID: PMC8962531